The following is an entry in ClinVar:

NM_198578.4(LRRK2):c.4321C>G (p.Arg1441Gly)

Gene: LRRK2 (leucine rich repeat kinase 2; plus strand). Cytogenetic location: 12q12.
Variant type: single nucleotide variant.
Coding change: c.4321C>G on transcript NM_198578.4 (MANE Select); coding-DNA position 4321, C replaced by G.
Protein change: p.Arg1441Gly; replaces arginine 1441 with glycine.
Molecular consequence: missense variant.
Genome position (GRCh38, 1-based): chr12:40,310,434, C>G. VCF-style: chr12-40310434-C-G. GRCh37 (hg19) VCF-style: chr12-40704236-C-G.
Other names: short protein forms R1441G.
Identifiers: ClinVar variation 1936 (VCV000001936.17), dbSNP rs33939927, ClinGen allele CA339918.

ClinVar aggregate classification (germline): Pathogenic. Review status: criteria provided, multiple submitters, no conflicts (2 of 4 stars). 9 submissions from 9 submitters: Pathogenic (7). 2 of the submissions do not count toward it. Last evaluated 2026-03-09.

Conditions:
Autosomal dominant Parkinson disease 8. Also called: LRRK2-Related Parkinson Disease; Parkinson disease 8, susceptibility to; Parkinson disease 8. Identifiers: Orphanet 411602, MedGen C1846862, MONDO:0011764, OMIM 607060.

gnomAD v4.1: 5 of 1,612,956 alleles (0.00031%); highest among the groups gnomAD compares: Admixed American, 0.0033%; no homozygotes.

Submissions (9):

Women's Health and Genetics/Laboratory Corporation of America, LabCorp
Classification: Pathogenic for Autosomal dominant Parkinson disease 8. Last evaluated: 2026-03-09. Review status: criteria provided, single submitter. Criteria: LabCorp Variant Classification Summary - May 2015. Collection method: clinical testing. Allele origin: germline.
Comment: Variant summary: LRRK2 c.4321C>G (p.Arg1441Gly) results in a non-conservative amino acid change in the encoded protein sequence. Algorithms developed to predict the effect of missense changes on protein structure and function all suggest that this variant is likely to be disruptive. The variant allele was found at a frequency of 4e-06 in 251116 control chromosomes (gnomAD). c.4321C>G has been observed in multiple individuals affected with Autosomal dominant Parkinson disease 8 and was observed to segregate with disease (e.g. Paisan-Ruiz_2004). These data indicate that the variant is very likely to be associated with disease. A different variant affecting the same codon has been classified as pathogenic by our lab (c.4321C>T, p.Arg1441Cys), supporting the critical relevance of codon 1441 to LRRK2 protein function. The following publication has been ascertained in the context of this evaluation (PMID: 15541308). ClinVar contains an entry for this variant (Variation ID: 1936). Based on the evidence outlined above, the variant was classified as pathogenic.

3billion
Classification: Pathogenic for Autosomal dominant Parkinson disease 8. Last evaluated: 2026-01-23. Review status: criteria provided, single submitter. Criteria: ACMG Guidelines, 2015. Collection method: clinical testing. Allele origin: germline. Affected: yes.
Comment: The variant is observed at an extremely low frequency in the gnomAD v4.1.0 dataset (total allele frequency: <0.001%). Predicted Consequence/Location: Missense variant. Missense changes are a common disease-causing mechanism. In silico tool predictions suggest damaging effect of the variant on gene or gene product [REVEL: 0.70 (>=0.6, sensitivity 0.68 and specificity 0.92)]. The same nucleotide change resulting in the same amino acid change has been previously reported as pathogenic/likely pathogenic with strong evidence (ClinVar ID: VCV000001936 /PMID: 15541308). Different missense changes at the same codon (p.Arg1441Cys, p.Arg1441His, p.Arg1441Ser) have been reported as pathogenic/likely pathogenic with strong evidence (ClinVar ID: VCV000001938, VCV000001942, VCV000225276 /PMID: 15541309, 16157909, 27111571). Therefore, this variant is classified as Pathogenic according to the recommendation of ACMG/AMP guideline.

Labcorp Genetics (formerly Invitae), Labcorp
Classification: Pathogenic for Autosomal dominant Parkinson disease 8. Last evaluated: 2025-12-17. Review status: criteria provided, single submitter. Criteria: Invitae Variant Classification Sherloc (09022015). Collection method: clinical testing. Allele origin: germline.
Comment: This sequence change replaces arginine, which is basic and polar, with glycine, which is neutral and non-polar, at codon 1441 of the LRRK2 protein (p.Arg1441Gly). This variant is present in population databases (rs33939927, gnomAD 0.003%). This missense change has been observed in individuals with Parkinson disease (PMID: 15541308, 17095157, 19308469, 19735093, 24357540, 24973808, 25127457). It has also been observed to segregate with disease in related individuals. This variant is also known as R1396G. ClinVar contains an entry for this variant (Variation ID: 1936). Invitae Evidence Modeling of protein sequence and biophysical properties (such as structural, functional, and spatial information, amino acid conservation, physicochemical variation, residue mobility, and thermodynamic stability) has been performed for this missense variant. However, the output from this modeling did not meet the statistical confidence thresholds required to predict the impact of this variant on LRRK2 protein function. Experimental studies have shown that this missense change affects LRRK2 function (PMID: 17200152, 20642453). This variant disrupts the p.Arg1441 amino acid residue in LRRK2. Other variant(s) that disrupt this residue have been determined to be pathogenic (PMID: 15541309, 17200152, 21538529, 21658387, 23241745, 24565865, 27111571). This suggests that this residue is clinically significant, and that variants that disrupt this residue are likely to be disease-causing. For these reasons, this variant has been classified as Pathogenic.

GeneDx
Classification: Pathogenic. Last evaluated: 2025-12-03. Review status: criteria provided, single submitter. Criteria: GeneDx Variant Classification Process June 2021. Collection method: clinical testing. Allele origin: germline.
Comment: Published functional studies demonstrate a damaging effect of altering phosphorylation and increasing GTPase binding and kinase activity, which is hypothesized to lead a pathogenic gain-of-function that may contribute to cellular toxicity (PMID: 24351927, 17200152); In silico analysis supports that this missense variant has a deleterious effect on protein structure/function; Also known as R1396G; This variant is associated with the following publications: (PMID: 21885347, 24211199, 20642453, 17447891, 17200152, 22080837, 24470158, 17623048, 22004453, 25330418, 24488318, 20721916, 24357540, 17095157, 19308469, 22342962, 21390248, 23764467, 25127457, 23600457, 23241745, 24360742, 27013965, 19503083, 15925109, 30796162, 20301387, 29800472, 33763016, 31589614, 39705401, 39962078, 32398759, 24973808, 19735093, 15541308, 39034353, 16533964, 24351927, 37750340, 31324919)

Fulgent Genetics
Classification: Pathogenic for Autosomal dominant Parkinson disease 8. Last evaluated: 2024-03-28. Review status: criteria provided, single submitter. Criteria: ACMG Guidelines, 2015. Collection method: clinical testing. Allele origin: germline.

Athena Diagnostics
Classification: Pathogenic. Last evaluated: 2020-12-16. Review status: criteria provided, single submitter. Criteria: Athena Diagnostics criteria. Collection method: clinical testing. Allele origin: unknown.
Comment: The frequency of this variant in the general population is consistent with pathogenicity. In some published literature, this variant is referred to as PARK8 p.R1396G. This variant has been identified in multiple unrelated individuals with clinical features associated with this gene. The variant is a common founder originating from Basque Country of Northern Spain (PMID: 16991141, 19308469). Assessment of experimental evidence suggests this variant results in abnormal protein function. This variant causes a significant reduction in GTP hydrolysis activity (PMID: 30796162, 27013965).

Clinical Genetics Service, Universitary Hospital 12 de Octubre
Classification: Pathogenic for Autosomal dominant Parkinson disease 8. Review status: criteria provided, single submitter. Criteria: ACMG Guidelines, 2015. Collection method: clinical testing. Allele origin: germline. Affected: yes.

OMIM
Classification: Pathogenic for PARKINSON DISEASE 8, AUTOSOMAL DOMINANT. Last evaluated: 2009-10-01. Review status: no assertion criteria provided. Collection method: literature only. Allele origin: germline. Not counted in ClinVar's aggregate classification.

GeneReviews
No classification provided. Condition: Autosomal dominant Parkinson disease 8. Review status: no classification provided. Collection method: literature only. Allele origin: unknown. Not counted in ClinVar's aggregate classification.

Literature cited by the submitters: PubMed 15541308 (cited by 6 submitters); PubMed 15541309 (cited by 3billion and Labcorp Genetics (formerly Invitae), Labcorp); PubMed 17095157 (cited by Labcorp Genetics (formerly Invitae), Labcorp); PubMed 19308469 (cited by 3 submitters); PubMed 19735093 (cited by Labcorp Genetics (formerly Invitae), Labcorp and Athena Diagnostics); PubMed 24357540 (cited by Labcorp Genetics (formerly Invitae), Labcorp); PubMed 24973808 (cited by Labcorp Genetics (formerly Invitae), Labcorp and Athena Diagnostics); PubMed 25127457 (cited by Labcorp Genetics (formerly Invitae), Labcorp and Athena Diagnostics); PubMed 17200152 (cited by Labcorp Genetics (formerly Invitae), Labcorp); PubMed 20642453 (cited by Labcorp Genetics (formerly Invitae), Labcorp); PubMed 21538529 (cited by Labcorp Genetics (formerly Invitae), Labcorp); PubMed 21658387 (cited by Labcorp Genetics (formerly Invitae), Labcorp); PubMed 23241745 (cited by Labcorp Genetics (formerly Invitae), Labcorp); PubMed 24565865 (cited by Labcorp Genetics (formerly Invitae), Labcorp); PubMed 27111571 (cited by Labcorp Genetics (formerly Invitae), Labcorp); PubMed 17623048 (cited by Athena Diagnostics); PubMed 23764467 (cited by Athena Diagnostics); PubMed 15925109 (cited by Athena Diagnostics); PubMed 16991141 (cited by Athena Diagnostics); PubMed 19020907 (cited by Athena Diagnostics and OMIM); PubMed 16533964 (cited by Athena Diagnostics and OMIM); PubMed 24351927 (cited by Athena Diagnostics); PubMed 30796162 (cited by Athena Diagnostics); PubMed 29800472 (cited by Athena Diagnostics); PubMed 27013965 (cited by Athena Diagnostics); PubMed 24360742 (cited by Athena Diagnostics); PubMed 25330418 (cited by Athena Diagnostics); PubMed 24488318 (cited by Athena Diagnostics); PubMed 23600457 (cited by Athena Diagnostics); PubMed 22342962 (cited by Athena Diagnostics); PubMed 16003110 (cited by OMIM); PubMed 20301387 (cited by GeneReviews); NCBI Bookshelf NBK1208 (cited by GeneReviews).